The following is an entry in ClinVar:

NM_007186.6(CEP250):c.384C>T (p.Asp128=)

Gene: CEP250 (centrosomal protein 250; plus strand). Cytogenetic location: 20q11.22.
Variant type: single nucleotide variant.
Coding change: c.384C>T on transcript NM_007186.6 (MANE Select); coding-DNA position 384, C replaced by T.
Protein change: p.Asp128=; no amino-acid change (aspartic acid 128 retained).
Molecular consequence: synonymous variant. On other transcripts: 5 prime UTR variant (1).
Genome position (GRCh38, 1-based): chr20:35,466,096, C>T. VCF-style: chr20-35466096-C-T. GRCh37 (hg19) VCF-style: chr20-34053921-C-T.
Other names: c.-1516C>T (NM_001318219.1).
Identifiers: ClinVar variation 724711 (VCV000724711.17), dbSNP rs147554271, ClinGen allele CA9832607.

ClinVar aggregate classification (germline): Likely benign. Review status: criteria provided, multiple submitters, no conflicts (2 of 4 stars). 4 submissions from 4 submitters: Likely benign (4). Last evaluated 2026-02-01.

Allele frequency attached by ClinVar (database versions not stated): 1000 Genomes Project 30x 0.00078; gnomAD 0.00093; ESP Exome Variant Server 0.00108; TOPMed 0.00108; gnomAD exomes 0.00114 and 0.00087; 1000 Genomes Project 0.00080; ExAC 0.00087.
gnomAD v4.1: 1,805 of 1,614,040 alleles (0.11%); highest among the groups gnomAD compares: Middle Eastern, 0.15%; 4 homozygotes.

Submissions (4):

CeGaT Center for Human Genetics Tuebingen
Classification: Likely benign. Last evaluated: 2026-02-01. Review status: criteria provided, single submitter. Criteria: CeGaT Center For Human Genetics Tuebingen Variant Classification Criteria Version 2. Collection method: clinical testing. Allele origin: germline. Affected: yes. Observed: 1 variant allele.
Comment: CEP250: BP4, BP7

Labcorp Genetics (formerly Invitae), Labcorp
Classification: Likely benign. Last evaluated: 2026-01-20. Review status: criteria provided, single submitter. Criteria: Invitae Variant Classification Sherloc (09022015). Collection method: clinical testing. Allele origin: germline.

Blueprint Genetics
Classification: Likely benign. Last evaluated: 2024-11-26. Review status: criteria provided, single submitter. Criteria: ACMG Guidelines, 2015. Collection method: clinical testing. Allele origin: germline.

Breakthrough Genomics
Classification: Likely benign. Review status: criteria provided, single submitter. Criteria: ACMG Guidelines, 2015. Collection method: not provided. Allele origin: germline. Inheritance: Autosomal recessive inheritance. Affected: yes.